The following is an entry in ClinVar:

ClinVar aggregate classification (germline): Conflicting classifications of pathogenicity. Review status: criteria provided, conflicting classifications (1 of 4 stars). 3 submissions from 3 submitters: Uncertain significance (2); Likely benign (1). Last evaluated 2025-06-24.

Conditions:
Gorlin syndrome. Also called: Nevoid Basal Cell Carcinoma Syndrome; Basal cell nevus syndrome. Identifiers: Orphanet 377, MedGen C0004779, MONDO:0007187.
Microform holoprosencephaly. Identifiers: Orphanet 280200, MedGen C5393309, MONDO:0017219.

Submissions (3):

Labcorp Genetics (formerly Invitae), Labcorp
Classification: Likely benign for Gorlin syndrome. Last evaluated: 2025-06-24. Review status: criteria provided, single submitter. Criteria: Invitae Variant Classification Sherloc (09022015). Collection method: clinical testing. Allele origin: germline.

GeneDx
Classification: Uncertain significance. Last evaluated: 2023-05-23. Review status: criteria provided, single submitter. Criteria: GeneDx Variant Classification Process June 2021. Collection method: clinical testing. Allele origin: germline.
Comment: In silico analysis supports a deleterious effect on splicing; Has not been previously published as pathogenic or benign to our knowledge

Department of Pathology and Laboratory Medicine, Sinai Health System
Classification: Uncertain significance for Microform holoprosencephaly. Last evaluated: 2023-03-13. Review status: criteria provided, single submitter. Criteria: ACMG Guidelines, 2015. Collection method: clinical testing. Allele origin: germline. Affected: yes.

NM_000264.5(PTCH1):c.585-17_585-13del

Gene: PTCH1 (patched 1; minus strand). Cytogenetic location: 9q22.32.
Variant type: Deletion.
Coding change: c.585-17_585-13del on transcript NM_000264.5 (MANE Select); 17 bases into the intron before coding-DNA position 585 through 13 bases into the intron before coding-DNA position 585, 5 bases deleted (GCTTT; older notation c.585-17_585-13delGCTTT).
Molecular consequence: intron variant.
Genome position (GRCh38, 1-based): chr9:95,482,216-95,482,220, AAAGC deleted on the plus strand (GCTTT on the coding strand, the reverse complement: PTCH1 is on the minus strand); deleting any 5 consecutive bases within chr9:95,482,216-95,482,221 gives the same sequence; the c. name uses the placement nearest the transcript's 3' end. VCF-style (leftmost placement, unchanged base first): chr9-95482215-AAAAGC-A. GRCh37 (hg19) VCF-style: chr9-98244497-AAAAGC-A.
Other names: c.582-17_582-13del (NM_001083603.3); c.387-17_387-13del (NM_001083602.3, NM_001354919.2); c.585-17_585-13del (NM_001354918.2); c.132-17_132-13del (NM_001083605.3, NM_001083604.3, NM_001083606.3 and 1 more transcripts).
Identifiers: ClinVar variation 1570319 (VCV001570319.11), dbSNP rs776103507, ClinGen allele CA5138897.